The following is an entry in ClinVar:

NM_015100.4(POGZ):c.1637A>C (p.Gln546Pro)

Gene: POGZ (pogo transposable element derived with ZNF domain; minus strand). Cytogenetic location: 1q21.3.
Variant type: single nucleotide variant.
Coding change: c.1637A>C on transcript NM_015100.4 (MANE Select); coding-DNA position 1637, A replaced by C.
Protein change: p.Gln546Pro; replaces glutamine 546 with proline.
Molecular consequence: missense variant.
Genome position (GRCh38, 1-based): chr1:151,423,438, T>G on the plus strand (A>C on the coding strand, the complement: POGZ is on the minus strand). VCF-style: chr1-151423438-T-G. GRCh37 (hg19) VCF-style: chr1-151395914-T-G.
Other names: c.1610A>C, p.Gln537Pro (NM_001194937.2); c.1451A>C, p.Gln484Pro (NM_001194938.2); c.1658A>C, p.Gln553Pro (NM_001410860.1); c.1352A>C, p.Gln451Pro (NM_145796.4); c.1478A>C, p.Gln493Pro (NM_207171.2); short protein forms Q451P, Q484P, Q493P, Q537P, Q546P, Q553P.
Identifiers: ClinVar variation 2499711 (VCV002499711.1), dbSNP rs2529425830, ClinGen allele CA341969897.

ClinVar aggregate classification (germline): Uncertain significance (1 of 4 stars; one submission).

Submission:

GeneDx
Classification: Uncertain significance. Last evaluated: 2022-10-24. Review status: criteria provided, single submitter. Criteria: GeneDx Variant Classification Process June 2021. Collection method: clinical testing. Allele origin: germline. Affected: yes.
Comment: Not observed at significant frequency in large population cohorts (gnomAD); In silico analysis supports that this missense variant has a deleterious effect on protein structure/function; Has not been previously published as pathogenic or benign to our knowledge